The following is an entry in ClinVar:

ClinVar aggregate classification (germline): Conflicting classifications of pathogenicity. Review status: criteria provided, conflicting classifications (1 of 4 stars). 5 submissions from 4 submitters: Uncertain significance (4); Likely benign (1). Last evaluated 2025-05-24.

Conditions:
Cardiovascular phenotype. Identifiers: MedGen CN230736.
Hypercholesterolemia, autosomal dominant, type B (FHCL2). Also called: Familial hypercholesterolemia 2; Familial Hypercholesterolemia Type B; APOLIPOPROTEIN B-100, FAMILIAL DEFECTIVE; APOLIPOPROTEIN B-100, FAMILIAL LIGAND-DEFECTIVE; HYPERCHOLESTEROLEMIA, FAMILIAL, DUE TO LIGAND-DEFECTIVE APOLIPOPROTEIN B; APOB-Related Familial Hypercholesterolemia, Autosomal Dominant. Identifiers: MedGen C1704417, MONDO:0007751, OMIM 144010.
Familial hypobetalipoproteinemia 1. Also called: Hypobetalipoproteinemia, normotriglyceridemic; Acanthocytosis with hypobetalipoproteinemia; APOB-Related Familial Hypobetalipoproteinemia. Identifiers: MedGen C4551990, MONDO:0014252, OMIM 615558.

Allele frequency attached by ClinVar (database versions not stated): gnomAD 0.00001; TOPMed 0.00002.
gnomAD v4.1: 44 of 1,613,862 alleles (0.0027%); highest among the groups gnomAD compares: Non-Finnish European, 0.0036%; no homozygotes.

Submissions (5):

Ambry Genetics
Classification: Uncertain significance for Cardiovascular phenotype. Last evaluated: 2025-05-24. Review status: criteria provided, single submitter. Criteria: Ambry Variant Classification Scheme 2023. Collection method: clinical testing. Allele origin: germline.
Comment: The p.N3977H variant (also known as c.11929A>C), located in coding exon 28 of the APOB gene, results from an A to C substitution at nucleotide position 11929. The asparagine at codon 3977 is replaced by histidine, an amino acid with similar properties. This amino acid position is conserved. In addition, this alteration is predicted to be tolerated by in silico analysis. Since supporting evidence is limited at this time, the clinical significance of this alteration remains unclear.

Labcorp Genetics (formerly Invitae), Labcorp
Classification: Likely benign for Familial hypobetalipoproteinemia 1; Hypercholesterolemia, autosomal dominant, type B. Last evaluated: 2024-08-20. Review status: criteria provided, single submitter. Criteria: Invitae Variant Classification Sherloc (09022015). Collection method: clinical testing. Allele origin: germline.

Institute of Human Genetics, University of Leipzig Medical Center
Classification: Uncertain significance for Hypercholesterolemia, autosomal dominant, type B. Last evaluated: 2019-01-01. Review status: criteria provided, single submitter. Criteria: ACMG Guidelines, 2015. Collection method: clinical testing. Allele origin: unknown. Affected: yes.

Illumina Laboratory Services, Illumina
Classification: Uncertain significance for Hypercholesterolemia, autosomal dominant, type B. Last evaluated: 2018-01-13. Review status: criteria provided, single submitter. Criteria: ICSL Variant Classification Criteria 13 December 2019. Collection method: clinical testing. Allele origin: germline.

Illumina Laboratory Services, Illumina
Classification: Uncertain significance for Familial hypobetalipoproteinemia 1. Last evaluated: 2018-01-13. Review status: criteria provided, single submitter. Criteria: ICSL Variant Classification Criteria 13 December 2019. Collection method: clinical testing. Allele origin: germline.

NM_000384.3(APOB):c.11929A>C (p.Asn3977His)

Gene: APOB (apolipoprotein B; minus strand). Cytogenetic location: 2p24.1.
Variant type: single nucleotide variant.
Coding change: c.11929A>C on transcript NM_000384.3 (MANE Select); coding-DNA position 11929, A replaced by C.
Protein change: p.Asn3977His; replaces asparagine 3977 with histidine.
Molecular consequence: missense variant.
Genome position (GRCh38, 1-based): chr2:21,004,427, T>G on the plus strand (A>C on the coding strand, the complement: APOB is on the minus strand). VCF-style: chr2-21004427-T-G. GRCh37 (hg19) VCF-style: chr2-21227299-T-G.
Other names: short protein forms N3977H.
Identifiers: ClinVar variation 334087 (VCV000334087.19), dbSNP rs761528809, ClinGen allele CA048252.
Genomic context (GRCh38, chr2:21,004,427, plus strand): 5'-TGCCTTTCTTGTCTTTCTGGTAGCGCAGATGGAGATCGGTGAACGCTGGGCTTTTGATAT[T>G]GAGGTGCGCTTTTCCTTCCCATTCCCTGAAAGCAGAAAAACAGATGAGCTATCACGAAAG-3'
Protein context (NP_000375.3, residues 3967-3987): LQEWEGKAHL[Asn3977His]IKSPAFTDLH